The following is an entry in ClinVar:

NR_003051.4(RMRP):n.71G>T

Gene: RMRP (RNA component of mitochondrial RNA processing endoribonuclease; minus strand). Cytogenetic location: 9p13.3.
Variant type: single nucleotide variant.
Molecular consequence: non-coding transcript variant (on NR_003051.4).
Genome position: GRCh38 VCF-style: chr9-35657949-C-A. GRCh37 (hg19) VCF-style: chr9-35657946-C-A.
Identifiers: ClinVar variation 4738482 (VCV004738482.1).

ClinVar aggregate classification (germline): Uncertain significance (1 of 4 stars; one submission).

Conditions:
Anauxetic dysplasia. Identifiers: Orphanet 93347, MedGen C1846796, MONDO:0011773.

gnomAD v4.1: 10 of 700,438 alleles (0.0014%); highest among the groups gnomAD compares: Non-Finnish European, 0.0026%; no homozygotes.

Submission:

Labcorp Genetics (formerly Invitae), Labcorp
Classification: Uncertain significance for Anauxetic dysplasia. Last evaluated: 2025-12-16. Review status: criteria provided, single submitter. Criteria: Invitae Variant Classification Sherloc (09022015). Collection method: clinical testing. Allele origin: germline.
Comment: This variant occurs in the RMRP gene, which encodes an RNA molecule that does not result in a protein product. This variant is not present in population databases (gnomAD no frequency). This variant has not been reported in the literature in individuals affected with RMRP-related conditions. In summary, the available evidence is currently insufficient to determine the role of this variant in disease. Therefore, it has been classified as a Variant of Uncertain Significance.